The following is an entry in ClinVar:

NM_005609.4(PYGM):c.2268C>T (p.Pro756=)

Gene: PYGM (glycogen phosphorylase, muscle associated; minus strand). Cytogenetic location: 11q13.1.
Variant type: single nucleotide variant.
Coding change: c.2268C>T on transcript NM_005609.4 (MANE Select); coding-DNA position 2268, C replaced by T.
Protein change: p.Pro756=; no amino-acid change (proline 756 retained).
Molecular consequence: synonymous variant.
Genome position (GRCh38, 1-based): chr11:64,747,268, G>A on the plus strand (C>T on the coding strand, the complement: PYGM is on the minus strand). VCF-style: chr11-64747268-G-A. GRCh37 (hg19) VCF-style: chr11-64514740-G-A.
Other names: c.2004C>T, p.Pro668= (NM_001164716.1).
Identifiers: ClinVar variation 305269 (VCV000305269.25), dbSNP rs144229867, ClinGen allele CA6079587.

ClinVar aggregate classification (germline): Conflicting classifications of pathogenicity. Review status: criteria provided, conflicting classifications (1 of 4 stars). 7 submissions from 7 submitters: Uncertain significance (1); Likely benign (4). 2 of the submissions do not count toward it. Last evaluated 2026-02-01.

Conditions:
Glycogen storage disease, type V (GSD5). Also called: MCARDLE DISEASE; MUSCLE GLYCOGEN PHOSPHORYLASE DEFICIENCY; MYOPHOSPHORYLASE DEFICIENCY; PYGM DEFICIENCY; McArdle type glycogen storage disease. Identifiers: Orphanet 368, MedGen C0017924, MONDO:0009293, OMIM 232600.
PYGM-related disorder. Also called: PYGM-related condition.

Allele frequency attached by ClinVar (database versions not stated): gnomAD exomes 0.00017 and 0.00035; ExAC 0.00018; TOPMed 0.00020; gnomAD 0.00026; 1000 Genomes Project 30x 0.00031; ESP Exome Variant Server 0.00031; 1000 Genomes Project 0.00040.
gnomAD v4.1: 549 of 1,614,116 alleles (0.034%); highest among the groups gnomAD compares: Non-Finnish European, 0.043%; no homozygotes.

Submissions (7):

CeGaT Center for Human Genetics Tuebingen
Classification: Likely benign. Last evaluated: 2026-02-01. Review status: criteria provided, single submitter. Criteria: CeGaT Center For Human Genetics Tuebingen Variant Classification Criteria Version 2. Collection method: clinical testing. Allele origin: germline. Affected: yes. Observed: 1 variant allele.
Comment: PYGM: BP4, BP7

Labcorp Genetics (formerly Invitae), Labcorp
Classification: Likely benign for Glycogen storage disease, type V. Last evaluated: 2026-01-20. Review status: criteria provided, single submitter. Criteria: Invitae Variant Classification Sherloc (09022015). Collection method: clinical testing. Allele origin: germline.

Blueprint Genetics
Classification: Likely benign. Last evaluated: 2024-11-01. Review status: criteria provided, single submitter. Criteria: ACMG Guidelines, 2015. Collection method: clinical testing. Allele origin: germline.

GeneDx
Classification: Likely benign. Last evaluated: 2019-06-21. Review status: criteria provided, single submitter. Criteria: GeneDx Variant Classification Process June 2021. Collection method: clinical testing. Allele origin: germline. Affected: yes.

Illumina Laboratory Services, Illumina
Classification: Uncertain significance for Glycogen storage disease, type V. Last evaluated: 2018-01-13. Review status: criteria provided, single submitter. Criteria: ICSL Variant Classification Criteria 13 December 2019. Collection method: clinical testing. Allele origin: germline.

PreventionGenetics, part of Exact Sciences
Classification: Likely benign for PYGM-related condition. Last evaluated: 2020-08-25. Review status: no assertion criteria provided. Collection method: clinical testing. Allele origin: germline. Not counted in ClinVar's aggregate classification.
Comment: This variant is classified as likely benign based on ACMG/AMP sequence variant interpretation guidelines (Richards et al. 2015 PMID: 25741868, with internal and published modifications).

Natera, Inc.
Classification: Uncertain significance for Glycogen storage disease V. Last evaluated: 2020-01-24. Review status: no assertion criteria provided. Collection method: clinical testing. Allele origin: germline. Not counted in ClinVar's aggregate classification.